The following is an entry in ClinVar:

NM_001267550.2(TTN):c.70831G>A (p.Ala23611Thr)

Genes: TTN-AS1 (TTN antisense RNA 1; plus strand), TTN (titin; minus strand). Cytogenetic location: 2q31.2.
Variant type: single nucleotide variant.
Coding change: c.70831G>A on transcript NM_001267550.2 (MANE Select); coding-DNA position 70831, G replaced by A.
Protein change: p.Ala23611Thr; replaces alanine 23611 with threonine.
Molecular consequence: missense variant.
Genome position (GRCh38, 1-based): chr2:178,575,301, C>T on the plus strand (G>A on the coding strand, the complement: TTN is on the minus strand). VCF-style: chr2-178575301-C-T. GRCh37 (hg19) VCF-style: chr2-179440028-C-T.
Other names: c.65908G>A, p.Ala21970Thr (NM_001256850.1); c.43636G>A, p.Ala14546Thr (NM_003319.4); c.63127G>A, p.Ala21043Thr (NM_133378.4); c.44011G>A, p.Ala14671Thr (NM_133432.3); c.44212G>A, p.Ala14738Thr (NM_133437.4); short protein forms A14546T, A14671T, A14738T, A21043T, A21970T, A23611T.
Identifiers: ClinVar variation 1193544 (VCV001193544.11), dbSNP rs373765469, ClinGen allele CA1990718.

ClinVar aggregate classification (germline): Conflicting classifications of pathogenicity. Review status: criteria provided, conflicting classifications (1 of 4 stars). 6 submissions from 6 submitters: Uncertain significance (4); Likely benign (2). Last evaluated 2025-04-09.

Conditions:
Dilated cardiomyopathy 1G (CMD1G). Identifiers: Orphanet 154, MedGen C1858763, MONDO:0011400, OMIM 604145.
Autosomal recessive limb-girdle muscular dystrophy type 2J (LGMDR10). Also called: Limb-girdle muscular dystrophy, type 2J; MUSCULAR DYSTROPHY, LIMB-GIRDLE, AUTOSOMAL RECESSIVE 10. Identifiers: Orphanet 140922, MedGen C1837342, MONDO:0012127, OMIM 608807.
Cardiovascular phenotype. Identifiers: MedGen CN230736.

Allele frequency attached by ClinVar (database versions not stated): TOPMed 0.00003; gnomAD 0.00004; gnomAD exomes 0.00004 and 0.00006; ExAC 0.00007; ESP Exome Variant Server 0.00024.
gnomAD v4.1: 67 of 1,613,344 alleles (0.0042%); highest among the groups gnomAD compares: African/African-American, 0.004%; no homozygotes.

Submissions (6):

Molecular Diagnostic Laboratory for Inherited Cardiovascular Disease, Montreal Heart Institute
Classification: Likely benign. Last evaluated: 2025-04-09. Review status: criteria provided, single submitter. Criteria: ACMG Guidelines, 2015. Collection method: clinical testing. Allele origin: germline. Affected: no.

Women's Health and Genetics/Laboratory Corporation of America, LabCorp
Classification: Uncertain significance. Last evaluated: 2024-10-23. Review status: criteria provided, single submitter. Criteria: LabCorp Variant Classification Summary - May 2015. Collection method: clinical testing. Allele origin: germline.
Comment: Variant summary: TTN c.63127G>A (p.Ala21043Thr) results in a non-conservative amino acid change located in the A band region of the encoded protein sequence. Three of four in-silico tools predict a damaging effect of the variant on protein function. The variant allele was found at a frequency of 5.6e-05 in 248226 control chromosomes. This frequency is not significantly higher than estimated for a pathogenic variant in TTN causing Limb-Girdle Muscular Dystrophy, Type 2J, allowing no conclusion about variant significance. c.63127G>A has been reported in the literature in at-least one individual affected with hypertrophic cardiomyopathy (HCM) (Lopes_2013). These report(s) do not provide unequivocal conclusions about association of the variant with Limb-Girdle Muscular Dystrophy, Type 2J. To our knowledge, no experimental evidence demonstrating an impact on protein function has been reported. The following publication has been ascertained in the context of this evaluation (PMID: 23396983). ClinVar contains an entry for this variant (Variation ID: 1193544). Based on the evidence outlined above, the variant was classified as uncertain significance.

Revvity Omics, Revvity
Classification: Uncertain significance. Last evaluated: 2023-01-16. Review status: criteria provided, single submitter. Criteria: ACMG Guidelines, 2015. Collection method: clinical testing. Allele origin: germline.

Ambry Genetics
Classification: Uncertain significance for Cardiovascular phenotype. Last evaluated: 2020-08-18. Review status: criteria provided, single submitter. Criteria: Ambry Variant Classification Scheme 2023. Collection method: clinical testing. Allele origin: germline.
Comment: The p.A14546T variant (also known as c.43636G>A), located in coding exon 153 of the TTN gene, results from a G to A substitution at nucleotide position 43636. The alanine at codon 14546 is replaced by threonine, an amino acid with similar properties. This variant has been reported in a hypertrophic cardiomyopathy cohort; however, clinical details were limited. (Lopes LR et al. J. Med. Genet., 2013 Apr;50:228-39). This amino acid position is well conserved in available vertebrate species. In addition, this alteration is predicted to be tolerated by in silico analysis. Since supporting evidence is limited at this time, the clinical significance of this alteration remains unclear.

GeneDx
Classification: Likely benign. Last evaluated: 2020-06-15. Review status: criteria provided, single submitter. Criteria: GeneDx Variant Classification Process June 2021. Collection method: clinical testing. Allele origin: germline. Affected: yes.

Labcorp Genetics (formerly Invitae), Labcorp
Classification: Uncertain significance for Dilated cardiomyopathy 1G; Autosomal recessive limb-girdle muscular dystrophy type 2J. Last evaluated: 2018-01-20. Review status: criteria provided, single submitter. Criteria: Invitae Variant Classification Sherloc (09022015). Collection method: clinical testing. Allele origin: germline.
Comment: This sequence change replaces alanine with threonine at codon 23611 of the TTN protein (p.Ala23611Thr). There is a small physicochemical difference between alanine and threonine. This variant is present in population databases (rs373765469, ExAC 0.01%). This variant has been reported in an individual affected with hypertrophic cardiomyopathy (PMID: 23396983). This variant is also known as NM_003319:c.G43636A in the literature. This variant identified in the TTN gene is located in the A band of the resulting protein (PMID: 25589632). It is unclear how this variant impacts the function of this protein.‚Ä® Algorithms developed to predict the effect of missense changes on protein structure and function are unavailable for the TTN gene. In summary, the available evidence is currently insufficient to determine the role of this variant in disease. Therefore, it has been classified as a Variant of Uncertain Significance.

Literature cited by the submitters: PubMed 23396983 (cited by 3 submitters); PubMed 25589632 (cited by Labcorp Genetics (formerly Invitae), Labcorp).